The following is an entry in ClinVar:

ClinVar aggregate classification (germline): Conflicting classifications of pathogenicity. Review status: criteria provided, conflicting classifications (1 of 4 stars). 9 submissions from 9 submitters: Pathogenic (1); Likely pathogenic (2); Uncertain significance (5). 1 of the submissions does not count toward it. Last evaluated 2025-09-25.

Conditions:
Hereditary cancer-predisposing syndrome. Also called: Tumor predisposition; Hereditary neoplastic syndrome; Hereditary Cancer Syndrome; Neoplastic Syndromes, Hereditary. Identifiers: Orphanet 140162, MedGen C0027672, MeSH D009386, MONDO:0015356.
Familial cancer of breast. Also called: hereditary breast carcinoma; BREAST CANCER, FAMILIAL; Hereditary breast cancer. Identifiers: Orphanet 227535, MedGen C0346153, MONDO:0016419, OMIM 114480. Disease mechanism: loss of function.
Ataxia-telangiectasia syndrome (AT). Also called: LOUIS-BAR SYNDROME; Ataxia-telangiectasia, complementation group E; Ataxia telangiectasia (A-T); Cerebello-oculocutaneous telangiectasia; Immunodeficiency with ataxia telangiectasia; Ataxia-telangiectasia, complementation group D. Identifiers: Orphanet 100, MedGen C0004135, MONDO:0008840, OMIM 208900.

Submissions (9):

Labcorp Genetics (formerly Invitae), Labcorp
Classification: Pathogenic for Ataxia-telangiectasia syndrome. Last evaluated: 2025-09-25. Review status: criteria provided, single submitter. Criteria: Invitae Variant Classification Sherloc (09022015). Collection method: clinical testing. Allele origin: germline.
Comment: This sequence change falls in intron 9 of the ATM gene. It does not directly change the encoded amino acid sequence of the ATM protein. RNA analysis indicates that this variant induces altered splicing and may result in an absent or altered protein product. This variant is present in population databases (rs770033355, gnomAD 0.007%). This variant has been observed in individual(s) with male breast cancer (PMID: 30613976). ClinVar contains an entry for this variant (Variation ID: 419780). Variants that disrupt the consensus splice site are a relatively common cause of aberrant splicing (PMID: 17576681, 9536098). Studies have shown that this variant results in skipping of exon 9, and produces a non-functional protein and/or introduces a premature termination codon (internal data). For these reasons, this variant has been classified as Pathogenic.

Ambry Genetics
Classification: Uncertain significance for Hereditary cancer-predisposing syndrome. Last evaluated: 2025-01-03. Review status: criteria provided, single submitter. Criteria: Ambry Variant Classification Scheme 2023. Collection method: clinical testing. Allele origin: germline.
Comment: The c.1235+4_1235+5delAA intronic variant, located downstream of coding exon 8 of the ATM gene, results from a deletion of two nucleotides at positions 1235+4 and 1235+5. These nucleotide positions are well conserved in available vertebrate species. In silico splice site analysis predicts that this alteration will weaken the native splice donor site. Internal RNA studies showed this variant leads to alternate splicing; however, the alternate transcript was also present in controls (Ambry internal data). Based on the available evidence, the clinical significance of this variant remains unclear.

Women's Health and Genetics/Laboratory Corporation of America, LabCorp
Classification: Likely pathogenic for Ataxia-telangiectasia syndrome. Last evaluated: 2024-11-29. Review status: criteria provided, single submitter. Criteria: LabCorp Variant Classification Summary - May 2015. Collection method: clinical testing. Allele origin: germline.
Comment: Variant summary: ATM c.1235+4_1235+5delAA alters a nucleotide located close to a canonical splice site and therefore could affect mRNA splicing, leading to a significantly altered protein sequence. Several computational tools predict a significant impact on normal splicing: Two predict the variant abolishes the canonical 5' splicing donor site. Two predict the variant creates a cryptic intronic 3' splice acceptor site at position +4 of the mutant sequence. Studies have shown that this variant results in skipping of exon 9 and introduces a premature termination codon (partner laboratory). The resulting mRNA is expected to undergo nonsense-mediated decay. The variant allele was found at a frequency of 4e-06 in 251026 control chromosomes. The following publication have been ascertained in the context of this evaluation (PMID: 30613976). ClinVar contains an entry for this variant (Variation ID: 419780). Based on the evidence outlined above, the variant was classified as likely pathogenic for Autosomal Recessive Ataxia-Telangiectasia and Autosomal Dominant susceptibility to Breast Cancer.

CeGaT Center for Human Genetics Tuebingen
Classification: Uncertain significance. Last evaluated: 2023-12-01. Review status: criteria provided, single submitter. Criteria: CeGaT Center For Human Genetics Tuebingen Variant Classification Criteria Version 2. Collection method: clinical testing. Allele origin: germline. Affected: yes. Observed: 1 variant allele.
Comment: ATM: PM2, PP3

Baylor Genetics
Classification: Likely pathogenic for Familial cancer of breast. Last evaluated: 2023-11-22. Review status: criteria provided, single submitter. Criteria: ACMG Guidelines, 2015. Collection method: clinical testing. Allele origin: unknown.

Athena Diagnostics
Classification: Uncertain significance. Last evaluated: 2023-01-12. Review status: criteria provided, single submitter. Criteria: Athena Diagnostics Criteria. Collection method: clinical testing. Allele origin: unknown.
Comment: Available data are insufficient to determine the clinical significance of the variant at this time. The frequency of this variant in the general population is uninformative in assessment of its pathogenicity. Computational tools yielded inconclusive predictions regarding the effect of this variant on RNA splicing.

Color Diagnostics, LLC DBA Color Health
Classification: Uncertain significance for Hereditary cancer-predisposing syndrome. Last evaluated: 2019-10-30. Review status: criteria provided, single submitter. Criteria: ACMG Guidelines, 2015. Collection method: clinical testing. Allele origin: germline.
Comment: This variant deletes 2 basepairs in intron 9 of the ATM gene, affecting non-canonical sequence of the splice donor site. Splice site prediction tools predict that this variant may have a significant impact on RNA splicing, although this prediction has not been confirmed in published RNA studies. To our knowledge, functional studies have not been performed for this variant. This variant has not been reported in individuals affected with hereditary cancer in the literature. This variant has been identified in 1/251026 chromosomes in the general population by the Genome Aggregation Database (gnomAD). The available evidence is insufficient to determine the role of this variant in disease conclusively. Therefore, this variant is classified as a Variant of Uncertain Significance.

GeneDx
Classification: Uncertain significance. Last evaluated: 2015-09-03. Review status: criteria provided, single submitter. Criteria: GeneDx Variant Classification (06012015). Collection method: clinical testing. Allele origin: germline. Affected: yes.
Comment: This variant is denoted ATM c.1235+4_1235+5delAA or IVS9+4_IVS9+5delAA and consists of a deletion of two nucleotides at the +4 to +5 position in intron 9 of the ATM gene. The normal sequence, with the bases that are deleted in braces, is Ggta[delaa]gtgt, where the capital letter is exonic and the lowercase letters are intronic. This deletion is predicted to destroy the nearby natural splice donor site, and to possibly cause abnormal gene splicing. However, in the absence of RNA or functional studies, the actual effect of this variant is unknown. ATM c.1235+4_1235+5delAA was not observed in approximately 6,500 individuals of European and African American ancestry in the NHLBI Exome Sequencing Project, indicating it is not a common benign variant in these populations. This variant has not, to our knowledge, been published in the literature as pathogenic or benign. The nucleotides that are deleted are conserved in mammals. Based on the currently available information, it is unclear whether ATM c.1235+4_1235+5delAA is pathogenic or benign. We consider it to be a variant of uncertain significance.

Natera, Inc.
Classification: Uncertain significance for Ataxia-telangiectasia. Last evaluated: 2020-09-16. Review status: no assertion criteria provided. Collection method: clinical testing. Allele origin: germline. Not counted in ClinVar's aggregate classification.

Literature cited by the submitters: PubMed 30613976 (cited by 3 submitters); PubMed 17576681 (cited by Labcorp Genetics (formerly Invitae), Labcorp); PubMed 9536098 (cited by Labcorp Genetics (formerly Invitae), Labcorp).

NM_000051.4(ATM):c.1235+4_1235+5del

Gene: ATM (ATM serine/threonine kinase; plus strand). Cytogenetic location: 11q22.3.
Variant type: Deletion.
Coding change: c.1235+4_1235+5del on transcript NM_000051.4 (MANE Select); bases 4 to 5 of the intron after coding-DNA position 1235, 2 bases deleted (AA; older notation c.1235+4_1235+5delAA).
Molecular consequence: intron variant.
Genome position (GRCh38, 1-based): chr11:108,249,106-108,249,107, AA deleted; deleting any 2 consecutive bases within chr11:108,249,105-108,249,107 gives the same sequence; the c. name uses the placement nearest the transcript's 3' end. VCF-style (leftmost placement, unchanged base first): chr11-108249104-TAA-T. GRCh37 (hg19) VCF-style: chr11-108119831-TAA-T.
Other names: c.1235+4_1235+5delAA (NM_000051.4, NM_000051.3); c.1235+4_1235+5del (NM_001351834.2).
Identifiers: ClinVar variation 419780 (VCV000419780.44), dbSNP rs770033355, ClinGen allele CA6264775.